The following is an entry in ClinVar:

ClinVar aggregate classification (germline): not provided (0 of 4 stars; one submission).

Conditions:
Large for gestational age. Identifiers: MedGen C1848395, HP:0001520.

Submission:

Institute of Molecular and Cell Biology, University of Tartu
No classification provided. Condition: Large for gestational age. Review status: no classification provided. Collection method: case-control. Allele origin: unknown. Affected: yes. Study: Kasak2014.
Comment: The study aimed to determine the contribution of copy number variants in the genetic etiology of normal and complicated pregnancies. The samples represented (i) maternal blood DNA drawn from healthy pregnant women during 1st or 2nd trimester and (ii) maternal and paternal blood DNA drawn at term pregnancy cases representing normal and complicated gestations (severe preeclampsia, PE; gestational diabetes, GD; small-for-gestational age newborn, SGA; large-for-gestational age newborn, LGA). We performed CNV calling based on genome-wide genotyping dataset (Illumina HumanOmniExpress-24-v1 BeadChip) by applying three algorithms, QuantiSNP, GADA (Genome Alteration Detection Algorithm) and CNstream in parallel. The acquired CNV calls were merged with HD-CNV (Hotspot Detector for Copy Number Variants) program and only the CNVs predicted by at least two programs, were considered in subsequent analysis.

Literature cited by the submitters: PubMed 25666259.

NC_000013.11:g.95281406_95383629dup

Genes: ABCC4 (ATP binding cassette subfamily C member 4 (PEL blood group); minus strand), LOC130009962 (ATAC-STARR-seq lymphoblastoid active region 7873; plus strand), LOC130009963 (ATAC-STARR-seq lymphoblastoid active region 7874; plus strand), LOC130009964 (ATAC-STARR-seq lymphoblastoid active region 7875; plus strand), LOC130009965 (ATAC-STARR-seq lymphoblastoid silent region 5440; plus strand) and 1 more. Cytogenetic location: 13q32.1.
Variant type: Duplication.
Identifiers: ClinVar variation 157293 (VCV000157293.2).